The following is an entry in ClinVar:

GRCh37/hg19 16p13.3(chr16:2089477-2135939)

Genes: NTHL1 (nth like DNA glycosylase 1; minus strand), PKD1 (polycystin 1, transient receptor potential channel interacting; minus strand), TSC2 (TSC complex subunit 2; plus strand). Cytogenetic location: 16p13.3.
Variant type: copy number loss.
Identifiers: ClinVar variation 830072 (VCV000830072.1).

ClinVar aggregate classification (germline): Pathogenic (1 of 4 stars; one submission).

Conditions:
Polycystic kidney disease, adult type (PKD1). Also called: Polycystic Kidney, Autosomal Dominant; POLYCYSTIC KIDNEY DISEASE, ADULT, TYPE I; Polycystic Kidney Disease 1, Autosomal Dominant; Polycystic kidney disease 1; Polycystic kidney disease 1, severe; POLYCYSTIC KIDNEY DISEASE 1 WITH OR WITHOUT POLYCYSTIC LIVER DISEASE. Identifiers: MedGen C3149841, MONDO:0008263, OMIM 173900.

Submission:

Cavalleri Lab, Royal College of Surgeons in Ireland
Classification: Pathogenic for Polycystic kidney disease, adult type. Last evaluated: 2020-02-05. Review status: criteria provided, single submitter. Criteria: ACMG/ClinGen CNV Guidelines, 2019. Collection method: research. Allele origin: unknown. Inheritance: Autosomal dominant inheritance. Affected: yes.
Comment: Large deletion within PKD1 (exact coordinates not clear), not observed in healthy control populations, good phenotypic fit for patient